The following is an entry in ClinVar:

NM_000245.4(MET):c.2102G>T (p.Ser701Ile)

Gene: MET (MET proto-oncogene, receptor tyrosine kinase; plus strand). Cytogenetic location: 7q31.2.
Variant type: single nucleotide variant.
Coding change: c.2102G>T on transcript NM_000245.4 (MANE Select); coding-DNA position 2102, G replaced by T.
Protein change: p.Ser701Ile; replaces serine 701 with isoleucine.
Molecular consequence: missense variant.
Genome position (GRCh38, 1-based): chr7:116,757,774, G>T. VCF-style: chr7-116757774-G-T. GRCh37 (hg19) VCF-style: chr7-116397828-G-T.
Other names: NC_000007.13:g.116397828G>T; c.2102G>T, p.Ser701Ile (NM_001127500.3, NM_001324401.3); c.812G>T, p.Ser271Ile (NM_001324402.2); short protein forms S271I, S701I.
Identifiers: ClinVar variation 3232926 (VCV003232926.2), dbSNP rs2116925510, ClinGen allele CA368980300.
Genomic context (GRCh38, chr7:116,757,774, plus strand): 5'-ACCTAAACAGTGGGAATTCTAGACACATTTCAATTGGTGGAAAAACATGTACTTTAAAAA[G>T]GTGTTGTAAATTTATTTTTTGTTGCATCTGTCAATTTGAATTAATATCTGTACCTTAAAA-3'
Protein context (NP_000236.2, residues 691-711): SIGGKTCTLK[Ser701Ile]VSNSILECYT

ClinVar aggregate classification (germline): Uncertain significance (1 of 4 stars; one submission).

Conditions:
Hereditary cancer-predisposing syndrome. Also called: Neoplastic Syndromes, Hereditary; Tumor predisposition; Hereditary neoplastic syndrome; Hereditary Cancer Syndrome. Identifiers: Orphanet 140162, MedGen C0027672, MeSH D009386, MONDO:0015356.

Submissions (2):

Ambry Genetics
Classification: Uncertain significance for Hereditary cancer-predisposing syndrome. Last evaluated: 2023-11-30. Review status: criteria provided, single submitter. Criteria: Ambry Variant Classification Scheme 2023. Collection method: clinical testing. Allele origin: germline.
Comment: The p.S701I variant (also known as c.2102G>T), located in coding exon 7 of the MET gene, results from a G to T substitution at nucleotide position 2102. The amino acid change results in serine to isoleucine at codon 701, an amino acid with dissimilar properties. However, this change occurs in the last base pair of coding exon 7, which makes it likely to have some effect on normal mRNA splicing. This nucleotide position is highly conserved in available vertebrate species. This amino acid position is highly conserved in available vertebrate species. In silico splice site analysis predicts that this alteration will weaken the native splice donor site. In addition, as a missense substitution this is predicted to be deleterious by in silico analysis. However, loss of function of MET has not been established as a mechanism of disease. Since supporting evidence is limited at this time, the clinical significance of this alteration remains unclear.

Dr. Peter K. Rogan Lab, Western University
No classification provided (evidence only). Condition: Colon adenocarcinoma. Review status: no classification provided. Collection method: in vitro. Allele origin: not applicable. Functional consequence: retained intron. Not counted in ClinVar's aggregate classification.